The following is an entry in ClinVar:

NM_021098.3(CACNA1H):c.6005del (p.Gly2002fs)

Gene: CACNA1H (calcium voltage-gated channel subunit alpha1 H; plus strand). Cytogenetic location: 16p13.3.
Variant type: Deletion.
Coding change: c.6005del on transcript NM_021098.3 (MANE Select); coding-DNA position 6005, one base deleted (G; older notation c.6005delG).
Protein change: p.Gly2002fs; shifts the reading frame from glycine 2002.
Molecular consequence: frameshift variant.
Genome position (GRCh38, 1-based): chr16:1,219,087, G deleted; the last of 4 consecutive G bases (chr16:1,219,084-1,219,087); deleting any one gives the same sequence. VCF-style (leftmost placement, unchanged base first): chr16-1219083-CG-C. GRCh37 (hg19) VCF-style: chr16-1269083-CG-C.
Other names: c.5987del, p.Gly1996fs (NM_001005407.2); short protein forms G1996fs, G2002fs.
Identifiers: ClinVar variation 4854048 (VCV004854048.1).
Genomic context (GRCh38, chr16:1,219,083, plus strand): 5'-ATCCCATTGGCTGTGTCGTCCCCAGCCAGGAGCGGCGAGCCCCTCCACGCCCTGTCCCCT[CG>C]GGGCACAGCCCGCTCCCCCAGTCTCAGCCGGCTGCTCTGCAGACAGGTAGGAGAAGCCGT-3'

ClinVar aggregate classification (germline): Uncertain significance (1 of 4 stars; one submission).

Conditions:
Epilepsy, childhood absence, susceptibility to, 6. Identifiers: Orphanet 64280, MedGen C2749872, MONDO:0012763, OMIM 611942.

Submission:

3billion
Classification: Uncertain significance for Epilepsy, childhood absence, susceptibility to, 6. Last evaluated: 2025-06-10. Review status: criteria provided, single submitter. Criteria: ACMG Guidelines, 2015. Collection method: clinical testing. Allele origin: germline. Affected: yes.
Comment: The variant is not observed in the gnomAD v4.1.0 dataset. Predicted Consequence/Location: Frameshift: predicted to result in a loss or disruption of normal protein function through protein truncation. The predicted truncated protein may be shortened by more than 10%. Therefore, this variant is classified as VUS according to the recommendation of ACMG/AMP guideline.